The following is an entry in ClinVar:

NM_000548.5(TSC2):c.2415C>T (p.Val805=)

Gene: TSC2 (TSC complex subunit 2; plus strand). Cytogenetic location: 16p13.3.
Variant type: single nucleotide variant.
Coding change: c.2415C>T on transcript NM_000548.5 (MANE Select); coding-DNA position 2415, C replaced by T.
Protein change: p.Val805=; no amino-acid change (valine 805 retained).
Molecular consequence: synonymous variant.
Genome position (GRCh38, 1-based): chr16:2,074,259, C>T. VCF-style: chr16-2074259-C-T. GRCh37 (hg19) VCF-style: chr16-2124260-C-T.
Other names: c.2415C>T, p.Val805= (NM_001077183.3, NM_001114382.3, NM_001363528.2 and 3 more transcripts); c.2304C>T, p.Val768= (NM_001318827.2); c.2268C>T, p.Val756= (NM_001318829.2); c.1815C>T, p.Val605= (NM_001318831.2); c.2448C>T, p.Val816= (NM_001318832.2); c.2415C>T (NM_000548.4).
Identifiers: ClinVar variation 49726 (VCV000049726.19), dbSNP rs45517235, ClinGen allele CA017390.
Genomic context (GRCh38, chr16:2,074,259, plus strand): 5'-GCGCGAGATGGTCTACTGCCTGGAGCAGGGCCTCATCCACCGCTGTGCCAGCCAGTGCGT[C>T]GTGGCCTTGTCCATCTGCAGCGTGGAGATGCCTGACATCATCATCAAGGCGCTGCCTGTT-3'
Protein context (NP_000539.2, residues 795-815): GLIHRCASQC[Val805=]VALSICSVEM

ClinVar aggregate classification (germline): Benign/Likely benign. Review status: criteria provided, multiple submitters, no conflicts (2 of 4 stars). 8 submissions from 8 submitters: Benign (2); Likely benign (5). 1 of the submissions does not count toward it. Last evaluated 2026-01-13.

Conditions:
TSC2-related disorder. Also called: TSC2-Related Disorders; TSC2-related condition.
Hereditary cancer-predisposing syndrome. Also called: Hereditary Cancer Syndrome; Neoplastic Syndromes, Hereditary; Hereditary neoplastic syndrome; Tumor predisposition. Identifiers: Orphanet 140162, MedGen C0027672, MeSH D009386, MONDO:0015356.
Tuberous sclerosis syndrome (TSC). Also called: Tuberous Sclerosis Complex; Tuberous sclerosis. Identifiers: Orphanet 805, MedGen C0041341, MONDO:0001734.
Tuberous sclerosis 2 (TSC2). Identifiers: Orphanet 805, MedGen C1860707, MONDO:0013199, OMIM 613254.

Allele frequency attached by ClinVar (database versions not stated): gnomAD 0.00001 and 0.00002; gnomAD exomes 0.00001 and 0.00002; ExAC 0.00002; TOPMed 0.00003; 1000 Genomes Project 30x 0.00031; 1000 Genomes Project 0.00040.
gnomAD v4.1: 25 of 1,612,946 alleles (0.0015%); highest among the groups gnomAD compares: African/African-American, 0.0027%; no homozygotes.

Submissions (8):

Labcorp Genetics (formerly Invitae), Labcorp
Classification: Likely benign for Tuberous sclerosis 2. Last evaluated: 2026-01-13. Review status: criteria provided, single submitter. Criteria: Invitae Variant Classification Sherloc (09022015). Collection method: clinical testing. Allele origin: germline.

Myriad Genetics, Inc.
Classification: Benign for Tuberous sclerosis 2. Last evaluated: 2025-05-20. Review status: criteria provided, single submitter. Criteria: Myriad Autosomal Dominant, Autosomal Recessive and X-Linked Classification Criteria (2023). Collection method: clinical testing. Allele origin: unknown.
Comment: This variant is considered benign. This variant is a silent/synonymous amino acid change and it is not expected to impact splicing.

PreventionGenetics, part of Exact Sciences
Classification: Likely benign for TSC2-related condition. Last evaluated: 2024-11-05. Review status: criteria provided, single submitter. Criteria: ACMG Guidelines, 2015. Collection method: clinical testing. Allele origin: germline.
Comment: This variant is classified as likely benign based on ACMG/AMP sequence variant interpretation guidelines (Richards et al. 2015 PMID: 25741868, with internal and published modifications).

Color Diagnostics, LLC DBA Color Health
Classification: Likely benign for Tuberous sclerosis syndrome. Last evaluated: 2023-06-07. Review status: criteria provided, single submitter. Criteria: ACMG Guidelines, 2015. Collection method: clinical testing. Allele origin: germline.

Genome-Nilou Lab
Classification: Benign for Tuberous sclerosis 2. Last evaluated: 2021-11-07. Review status: criteria provided, single submitter. Criteria: ACMG Guidelines, 2015. Collection method: clinical testing. Allele origin: germline. Affected: no.

Ambry Genetics
Classification: Likely benign for Hereditary cancer-predisposing syndrome. Last evaluated: 2018-01-19. Review status: criteria provided, single submitter. Criteria: Ambry Variant Classification Scheme 2023. Collection method: clinical testing. Allele origin: germline.

GeneDx
Classification: Likely benign. Last evaluated: 2017-06-22. Review status: criteria provided, single submitter. Criteria: GeneDx Variant Classification (06012015). Collection method: clinical testing. Allele origin: germline. Affected: yes.
Comment: This variant is considered likely benign or benign based on one or more of the following criteria: it is a conservative change, it occurs at a poorly conserved position in the protein, it is predicted to be benign by multiple in silico algorithms, and/or has population frequency not consistent with disease.

Tuberous sclerosis database (TSC2)
No classification provided. Condition: TSC. Review status: no classification provided. Criteria: Tuberous Sclerosis Database Assertion Criteria 2015. Collection method: curation. Allele origin: germline. Affected: yes. Not counted in ClinVar's aggregate classification.